The following is an entry in ClinVar:

NM_001849.4(COL6A2):c.446G>A (p.Arg149His)

Gene: COL6A2 (collagen type VI alpha 2 chain; plus strand). Cytogenetic location: 21q22.3.
Variant type: single nucleotide variant.
Coding change: c.446G>A on transcript NM_001849.4 (MANE Select); coding-DNA position 446, G replaced by A.
Protein change: p.Arg149His; replaces arginine 149 with histidine.
Molecular consequence: missense variant.
Genome position (GRCh38, 1-based): chr21:46,112,309, G>A. VCF-style: chr21-46112309-G-A. GRCh37 (hg19) VCF-style: chr21-47532223-G-A.
Other names: c.446G>A, p.Arg149His (NM_058174.3, NM_058175.3); short protein forms R149H.
Identifiers: ClinVar variation 283039 (VCV000283039.22), dbSNP rs143891262, ClinGen allele CA10071293.
Genomic context (GRCh38, chr21:46,112,309, plus strand): 5'-GCCGCGGCACCTTCACCGACTGCGCGCTGGCCAACATGACGGAGCAGATCCGGCAGGACC[G>A]CAGCAAGGGCACCGTCCACTTCGCCGTGGTCATCACCGACGGCCACGTCACCGGCAGCCC-3'
Protein context (NP_001840.3, residues 139-159): ANMTEQIRQD[Arg149His]SKGTVHFAVV

ClinVar aggregate classification (germline): Conflicting classifications of pathogenicity. Review status: criteria provided, conflicting classifications (1 of 4 stars). 6 submissions from 6 submitters: Uncertain significance (3); Benign (1); Likely benign (2). Last evaluated 2026-01-13.

Conditions:
Inborn genetic diseases. Identifiers: MedGen C0950123, MeSH D030342.
Limb-girdle muscular dystrophy (LGMD). Also called: Muscular Dystrophies, Limb-Girdle. Identifiers: Orphanet 263, MedGen C0686353, MeSH D049288, MONDO:0016971, HP:0006785.
Collagen 6-related myopathy. Identifiers: MedGen CN117976, MONDO:0100225.
Bethlem myopathy 1A. Also called: Bethlem myopathy 1; MYOPATHY, BENIGN CONGENITAL, WITH CONTRACTURES; Bethlem Muscular Dystrophy. Identifiers: Orphanet 610, MedGen CN029274, MONDO:0024530, OMIM 158810.

Allele frequency attached by ClinVar (database versions not stated): ExAC 0.00010; gnomAD exomes 0.00010; TOPMed 0.00011; ESP Exome Variant Server 0.00015.

Submissions (6):

Labcorp Genetics (formerly Invitae), Labcorp
Classification: Likely benign for Bethlem myopathy 1A. Last evaluated: 2026-01-13. Review status: criteria provided, single submitter. Criteria: Invitae Variant Classification Sherloc (09022015). Collection method: clinical testing. Allele origin: germline.

Ambry Genetics
Classification: Uncertain significance for Inborn genetic diseases. Last evaluated: 2024-04-01. Review status: criteria provided, single submitter. Criteria: Ambry Variant Classification Scheme 2023. Collection method: clinical testing. Allele origin: germline.

Revvity Omics, Revvity
Classification: Uncertain significance. Last evaluated: 2023-03-16. Review status: criteria provided, single submitter. Criteria: ACMG Guidelines, 2015. Collection method: clinical testing. Allele origin: germline.

Cambridge Genomics Laboratory, East Genomic Laboratory Hub, NHS Genomic Medicine Service
Classification: Likely benign for Limb-girdle muscular dystrophy. Last evaluated: 2019-04-17. Review status: criteria provided, single submitter. Criteria: ACGS Best Practice Guidelines for Variant Classification in Rare Disease 2020. Collection method: clinical testing. Allele origin: germline. Affected: yes. Observed: 1 variant allele.

Illumina Laboratory Services, Illumina
Classification: Benign for Collagen VI-related myopathy. Last evaluated: 2018-01-12. Review status: criteria provided, single submitter. Criteria: ICSL Variant Classification Criteria 13 December 2019. Collection method: clinical testing. Allele origin: germline.
Comment: This variant was observed in the ICSL laboratory as part of a predisposition screen in an ostensibly healthy population. It had not been previously curated by ICSL or reported in the Human Gene Mutation Database (HGMD: prior to June 1st, 2018), and was therefore a candidate for classification through an automated scoring system. Utilizing variant allele frequency, disease prevalence and penetrance estimates, and inheritance mode, an automated score was calculated to assess if this variant is too frequent to cause the disease. Based on the score and internal cut-off values, a variant classified as benign is not then subjected to further curation. The score for this variant resulted in a classification of benign for this disease.

Eurofins Ntd Llc (ga)
Classification: Uncertain significance. Last evaluated: 2015-09-18. Review status: criteria provided, single submitter. Criteria: EGL Classification Definitions 2015. Collection method: clinical testing. Allele origin: germline. Observed: 2 variant alleles, 2 heterozygotes.